The following is an entry in ClinVar:

ClinVar aggregate classification (germline): Uncertain significance (1 of 4 stars; one submission).

Submission:

Labcorp Genetics (formerly Invitae), Labcorp
Classification: Uncertain significance. Last evaluated: 2021-07-29. Review status: criteria provided, single submitter. Criteria: Invitae Variant Classification Sherloc (09022015). Collection method: clinical testing. Allele origin: germline.
Comment: This variant is present in population databases (rs753391613, ExAC 0.009%). In summary, the available evidence is currently insufficient to determine the role of this variant in disease. Therefore, it has been classified as a Variant of Uncertain Significance. This variant has not been reported in the literature in individuals affected with RHOBTB2-related conditions. This sequence change creates a premature translational stop signal (p.Gly329Alafs*88) in the RHOBTB2 gene. It is expected to result in an absent or disrupted protein product. However, the current clinical and genetic evidence is not sufficient to establish whether loss-of-function variants in RHOBTB2 cause disease.

NM_015178.3(RHOBTB2):c.920del (p.Gly307fs)

Gene: RHOBTB2 (Rho related BTB domain containing 2; plus strand). Cytogenetic location: 8p21.3.
Variant type: Deletion.
Coding change: c.920del on transcript NM_015178.3 (MANE Select); coding-DNA position 920, one base deleted (G; older notation c.920delG).
Protein change: p.Gly307fs; shifts the reading frame from glycine 307.
Molecular consequence: frameshift variant.
Genome position (GRCh38, 1-based): chr8:23,007,165, G deleted; the last of 6 consecutive G bases (chr8:23,007,160-23,007,165); deleting any one gives the same sequence. VCF-style (leftmost placement, unchanged base first): chr8-23007159-TG-T. GRCh37 (hg19) VCF-style: chr8-22864672-TG-T.
Other names: c.986del, p.Gly329fs (NM_001160036.2); c.941del, p.Gly314fs (NM_001160037.2); c.920del, p.Gly307fs (NM_001374791.1); short protein forms G307fs, G314fs, G329fs.
Identifiers: ClinVar variation 1508719 (VCV001508719.6), dbSNP rs753391613, ClinGen allele CA4672568.